The following is an entry in ClinVar:

ClinVar aggregate classification (germline): Conflicting classifications of pathogenicity. Review status: criteria provided, conflicting classifications (1 of 4 stars). 2 submissions from 2 submitters: Uncertain significance (1); Likely benign (1). Last evaluated 2022-06-13.

Allele frequency attached by ClinVar (database versions not stated): gnomAD exomes below 0.00001.
gnomAD v4.1: 2 of 1,613,168 alleles (0.00012%); highest among the groups gnomAD compares: Non-Finnish European, 0.00017%; no homozygotes.

Submissions (2):

Labcorp Genetics (formerly Invitae), Labcorp
Classification: Likely benign. Last evaluated: 2022-06-13. Review status: criteria provided, single submitter. Criteria: Invitae Variant Classification Sherloc (09022015). Collection method: clinical testing. Allele origin: germline.

GeneDx
Classification: Uncertain significance. Last evaluated: 2020-07-10. Review status: criteria provided, single submitter. Criteria: GeneDx Variant Classification Process June 2021. Collection method: clinical testing. Allele origin: germline. Affected: yes.
Comment: Not observed in large population cohorts (Lek et al., 2016); In silico analysis supports that this missense variant has a deleterious effect on protein structure/function; Has not been previously published as pathogenic or benign to our knowledge

NM_001205293.3(CACNA1E):c.2177A>T (p.Lys726Ile)

Gene: CACNA1E (calcium voltage-gated channel subunit alpha1 E; plus strand). Cytogenetic location: 1q25.3.
Variant type: single nucleotide variant.
Coding change: c.2177A>T on transcript NM_001205293.3 (MANE Select); coding-DNA position 2177, A replaced by T.
Protein change: p.Lys726Ile; replaces lysine 726 with isoleucine.
Molecular consequence: missense variant.
Genome position (GRCh38, 1-based): chr1:181,726,099, A>T. VCF-style: chr1-181726099-A-T. GRCh37 (hg19) VCF-style: chr1-181695235-A-T.
Other names: c.2177A>T, p.Lys726Ile (NM_000721.4, NM_001205294.2); short protein forms K726I.
Identifiers: ClinVar variation 1187722 (VCV001187722.10), dbSNP rs2102509840, ClinGen allele CA343628603.
Genomic context (GRCh38, chr1:181,726,099, plus strand): 5'-CAAAGCCATCTCTGCTTTGTGTCTAGGATGAACAGGAGGAAGAAGAGGCCTTCAACCAGA[A>T]ACATGCACTGCAGAAGGCCAAGGAGGTCAGCCCGATGTCTGCACCCAACATGCCTTCGAT-3'
Protein context (NP_001192222.1, residues 716-736): EQEEEEAFNQ[Lys726Ile]HALQKAKEVS